The following is an entry in ClinVar:

ClinVar aggregate classification (germline): Pathogenic (1 of 4 stars; one submission).

Conditions:
Early-infantile DEE. Also called: Early infantile epileptic encephalopathy with suppression bursts; Early infantile epileptic encephalopathy; Ohtahara syndrome. Identifiers: Orphanet 1934, MedGen C0393706, MONDO:0800491.

Submission:

Labcorp Genetics (formerly Invitae), Labcorp
Classification: Pathogenic for Early-infantile DEE. Last evaluated: 2022-07-06. Review status: criteria provided, single submitter. Criteria: Invitae Variant Classification Sherloc (09022015). Collection method: clinical testing. Allele origin: germline.
Comment: ClinVar contains an entry for this variant (Variation ID: 1452402). For these reasons, this variant has been classified as Pathogenic. This variant has not been reported in the literature in individuals affected with KCNQ2-related conditions. This sequence change creates a premature translational stop signal (p.Phe73Leufs*47) in the KCNQ2 gene. It is expected to result in an absent or disrupted protein product. Loss-of-function variants in KCNQ2 are known to be pathogenic (PMID: 14534157, 23692823, 27779742). This variant is not present in population databases (gnomAD no frequency).

Literature cited by the submitters: PubMed 14534157; PubMed 23692823; PubMed 27779742.

NM_172107.4(KCNQ2):c.216dup (p.Phe73fs)

Gene: KCNQ2 (potassium voltage-gated channel subfamily Q member 2; minus strand). Cytogenetic location: 20q13.33.
Variant type: Duplication.
Coding change: c.216dup on transcript NM_172107.4 (MANE Select); coding-DNA position 216, one base duplicated (C; older notation c.216dupC).
Protein change: p.Phe73fs; shifts the reading frame from phenylalanine 73.
Molecular consequence: frameshift variant.
Genome position (GRCh38, 1-based): chr20:63,472,248, G duplicated on the plus strand (C on the coding strand, the reverse complement: KCNQ2 is on the minus strand); the first of 2 consecutive G bases (chr20:63,472,248-63,472,249); duplicating either gives the same sequence. VCF-style (leftmost placement, unchanged base first): chr20-63472247-A-AG. GRCh37 (hg19) VCF-style: chr20-62103600-A-AG.
Other names: c.216dup, p.Phe73fs (NM_001382235.1, NM_004518.6, NM_172106.3 and 2 more transcripts); short protein forms F73fs.
Identifiers: ClinVar variation 1452402 (VCV001452402.7), dbSNP rs2145921332, ClinGen allele CA2573157299.
Genomic context (GRCh38, chr20:63,472,247, plus strand): 5'-ACGCCCAGCCGCGCGGCCGCTCCAGCACGTTGTAGAGGAAATTCTGCAGCTTGCGGTAGA[A>AG]GGCGTTGCGCTTGGGGGGCTTCCCGGCGCCCGCGCCGCCCGCGCGAGGTTTGCTGAGGAT-3'